The following is an entry in ClinVar:

NM_005591.4(MRE11):c.1867+2T>C

Gene: MRE11 (MRE11 double strand break repair nuclease; minus strand). Cytogenetic location: 11q21.
Variant type: single nucleotide variant.
Coding change: c.1867+2T>C on transcript NM_005591.4 (MANE Select); the canonical splice donor site of the intron after coding-DNA position 1867, T replaced by C.
Molecular consequence: splice donor variant. On other transcripts: intron variant (1).
Genome position (GRCh38, 1-based): chr11:94,445,808, A>G on the plus strand (T>C on the coding strand, the complement: MRE11 is on the minus strand). VCF-style: chr11-94445808-A-G. GRCh37 (hg19) VCF-style: chr11-94178974-A-G.
Other names: c.1864+2T>C (NM_001330347.2); c.1783+1411T>C (NM_005590.4).
Identifiers: ClinVar variation 187174 (VCV000187174.29), dbSNP rs745677716, ClinGen allele CA196923.

ClinVar aggregate classification (germline): Pathogenic/Likely pathogenic. Review status: criteria provided, multiple submitters, no conflicts (2 of 4 stars). 6 submissions from 6 submitters: Pathogenic (1); Likely pathogenic (5). Last evaluated 2025-06-01.

Conditions:
Ataxia-telangiectasia-like disorder (ATLD). Identifiers: MedGen C1858391, MONDO:0011457.
Hereditary cancer-predisposing syndrome. Also called: Tumor predisposition; Neoplastic Syndromes, Hereditary; Hereditary Cancer Syndrome; Hereditary neoplastic syndrome. Identifiers: Orphanet 140162, MedGen C0027672, MeSH D009386, MONDO:0015356.
Ataxia-telangiectasia-like disorder 1 (ATLD1). Identifiers: Orphanet 251347, MedGen C4012790, MONDO:0024557, OMIM 604391.

Allele frequency attached by ClinVar (database versions not stated): ExAC 0.00001; gnomAD 0.00001 and 0.00002; gnomAD exomes 0.00001; TOPMed 0.00001.

Submissions (6):

CeGaT Center for Human Genetics Tuebingen
Classification: Likely pathogenic. Last evaluated: 2025-06-01. Review status: criteria provided, single submitter. Criteria: CeGaT Center For Human Genetics Tuebingen Variant Classification Criteria Version 2. Collection method: clinical testing. Allele origin: germline. Affected: yes. Observed: 1 variant allele.
Comment: MRE11: PVS1:Strong, PM2

Labcorp Genetics (formerly Invitae), Labcorp
Classification: Likely pathogenic for Ataxia-telangiectasia-like disorder. Last evaluated: 2024-11-27. Review status: criteria provided, single submitter. Criteria: Invitae Variant Classification Sherloc (09022015). Collection method: clinical testing. Allele origin: germline.
Comment: This sequence change affects a donor splice site in intron 16 of the MRE11 gene. It is expected to disrupt RNA splicing. Variants that disrupt the donor or acceptor splice site typically lead to a loss of protein function (PMID: 16199547), and loss-of-function variants in MRE11 are known to be pathogenic (PMID: 23080121, 23912341). This variant is not present in population databases (gnomAD no frequency). Disruption of this splice site has been observed in individual(s) with combined variable immunodeficiency, breast and ovarian cancer (PMID: 26122175, 28008555, 28888541, 34009545). ClinVar contains an entry for this variant (Variation ID: 187174). Algorithms developed to predict the effect of sequence changes on RNA splicing suggest that this variant may disrupt the consensus splice site. In summary, the currently available evidence indicates that the variant is pathogenic, but additional data are needed to prove that conclusively. Therefore, this variant has been classified as Likely Pathogenic.

Fulgent Genetics
Classification: Likely pathogenic for Ataxia-telangiectasia-like disorder 1. Last evaluated: 2024-05-31. Review status: criteria provided, single submitter. Criteria: ACMG Guidelines, 2015. Collection method: clinical testing. Allele origin: germline.

Baylor Genetics
Classification: Likely pathogenic for Ataxia-telangiectasia-like disorder 1. Last evaluated: 2024-01-10. Review status: criteria provided, single submitter. Criteria: ACMG Guidelines, 2015. Collection method: clinical testing. Allele origin: unknown.

Ambry Genetics
Classification: Likely pathogenic for Hereditary cancer-predisposing syndrome. Last evaluated: 2022-11-30. Review status: criteria provided, single submitter. Criteria: Ambry Variant Classification Scheme 2023. Collection method: clinical testing. Allele origin: germline.
Comment: The c.1867+2T>C intronic variant results from a T to C substitution two nucleotides after coding exon 15 in the MRE11A gene. This alteration was detected in 1/715 male breast cancer patients who underwent multi-gene panel testing at a clinical diagnostic laboratory (Pritzlaff M et al. Breast Cancer Res. Treat. 2017 02;161:575-586). This alteration was also identified in a cohort of 192 Spanish hereditary breast and ovarian cancer families who did not have a pathogenic variant in BRCA1 or BRCA2 (Bonache S et al. J Cancer Res Clin Oncol, 2018 Dec;144:2495-2513) as well as in a cohort of 7768 adult ovarian cancer cases of European ancestry referred to a single clinical testing laboratory (Lilyquist J et al. Gynecol Oncol, 2017 Nov;147:375-380). This variant was also identified by whole genome sequencing in an individual with an immunodeficiency disorder; it was seen in conjunction with another MRE11A deep intronic alteration (van Schouwenburg PA et al. Clin. Immunol., 2015 Oct;160:301-14). Alterations that disrupt the canonical splice site are expected to cause aberrant splicing. In silico splice site analysis predicts that this alteration will weaken the native splice donor site. The resulting transcript is predicted to be in-frame and is not expected to trigger nonsense-mediated mRNA decay; however, direct evidence is unavailable. This variant is considered to be rare based on population cohorts in the Genome Aggregation Database (gnomAD). This nucleotide position is highly conserved in available vertebrate species. Based on the majority of available evidence to date, this variant is likely to be pathogenic.

Revvity Omics, Revvity
Classification: Pathogenic for Ataxia-telangiectasia-like disorder 1. Last evaluated: 2019-03-15. Review status: criteria provided, single submitter. Criteria: ACMG Guidelines, 2015. Collection method: clinical testing. Allele origin: germline.

Literature cited by the submitters: PubMed 16199547 (cited by Labcorp Genetics (formerly Invitae), Labcorp); PubMed 23080121 (cited by Labcorp Genetics (formerly Invitae), Labcorp); PubMed 23912341 (cited by Labcorp Genetics (formerly Invitae), Labcorp); PubMed 26122175 (cited by Labcorp Genetics (formerly Invitae), Labcorp and Ambry Genetics); PubMed 28008555 (cited by Labcorp Genetics (formerly Invitae), Labcorp and Ambry Genetics); PubMed 28888541 (cited by Labcorp Genetics (formerly Invitae), Labcorp and Ambry Genetics); PubMed 34009545 (cited by Labcorp Genetics (formerly Invitae), Labcorp); PubMed 30306255 (cited by Ambry Genetics).